The following continues an entry in ClinVar:

NM_007294.4(BRCA1):c.1974G>C (p.Met658Ile)

Gene: BRCA1. ClinVar aggregate classification (germline): Conflicting classifications of pathogenicity. Uncertain significance (1); Benign (3); Likely benign (11).

Submissions 15 to 19 of 19:

GeneDx
Classification: Benign. Last evaluated: 2014-02-28. Review status: criteria provided, single submitter. Criteria: GeneDx Variant Classification (06012015). Collection method: clinical testing. Allele origin: germline. Affected: yes.
Comment: This variant is considered likely benign or benign based on one or more of the following criteria: it is a conservative change, it occurs at a poorly conserved position in the protein, it is predicted to be benign by multiple in silico algorithms, and/or has population frequency not consistent with disease.

PreventionGenetics, part of Exact Sciences
Classification: Likely benign for BRCA1-related condition. Last evaluated: 2020-09-22. Review status: no assertion criteria provided. Collection method: clinical testing. Allele origin: germline. Not counted in ClinVar's aggregate classification.
Comment: This variant is classified as likely benign based on ACMG/AMP sequence variant interpretation guidelines (Richards et al. 2015 PMID: 25741868, with internal and published modifications).

Counsyl
Classification: Uncertain significance for Breast-ovarian cancer, familial, susceptibility to, 1. Last evaluated: 2016-01-19. Review status: no assertion criteria provided. Collection method: clinical testing. Allele origin: unknown. Not counted in ClinVar's aggregate classification.

Breast Cancer Information Core (BIC) (BRCA1)
Classification: Uncertain significance for Breast-ovarian cancer, familial 1. Last evaluated: 2002-05-29. Review status: no assertion criteria provided. Collection method: clinical testing. Allele origin: germline. Affected: yes. Observed: 27 variant alleles. Not counted in ClinVar's aggregate classification.

Department of Pathology and Laboratory Medicine, Sinai Health System
Classification: Benign. Review status: no assertion criteria provided. Collection method: clinical testing. Allele origin: unknown. Affected: yes. Observed: 3 variant alleles. Study: The Canadian Open Genetics Repository (COGR). Not counted in ClinVar's aggregate classification.
Comment: The p.Met658Ile variant has been previously identified in the BIC (n=27 as unknown clinical importance), LOVD (n=1) and Exome Server (n=3 out of 13001 chromosomes) databases and appears to be a low frequency variant. This variant is listed in the dbSNP database (ID#:rs55678461) but no frequency information was provided, and so the prevalence of this variant in the general population is not known. It was reported once in the literature in an in silico study where conservation and biophysical properties of the variant were analyzed and used for classification. The variant was predicted to be neutral (Abkevich_2004_15235020). This residue is not conserved in mammals and computational analyses (SIFT, AlignGVGD) do not suggest a high likelihood of impact to the protein. However, this information is not predictive enough to rule out pathogenicity. Myriad genetics has reported this variant as a polymorphism in Jan 2010. In summary, based on the above information this variant is classified as a benign variant.

Literature cited by the submitters: PubMed 16267036 (cited by 4 submitters); PubMed 15385441 (cited by 3 submitters); PubMed 15235020 (cited by 4 submitters); PubMed 12531920 (cited by Women's Health and Genetics/Laboratory Corporation of America, LabCorp); PubMed 15001988 (cited by Women's Health and Genetics/Laboratory Corporation of America, LabCorp); PubMed 22476429 (cited by 4 submitters); PubMed 15571721 (cited by 3 submitters); PubMed 24675476 (cited by Women's Health and Genetics/Laboratory Corporation of America, LabCorp); PubMed 33471991 (cited by Quest Diagnostics Nichols Institute San Juan Capistrano); PubMed 30883245 (cited by Quest Diagnostics Nichols Institute San Juan Capistrano); PubMed 31911673 (cited by Quest Diagnostics Nichols Institute San Juan Capistrano); PubMed 33087888 (cited by Quest Diagnostics Nichols Institute San Juan Capistrano); PubMed 30254663 (cited by Quest Diagnostics Nichols Institute San Juan Capistrano and Sema4).